The following is an entry in ClinVar:

ClinVar aggregate classification (germline): Uncertain significance (1 of 4 stars; one submission).

Submission:

Labcorp Genetics (formerly Invitae), Labcorp
Classification: Uncertain significance. Last evaluated: 2024-10-27. Review status: criteria provided, single submitter. Criteria: Invitae Variant Classification Sherloc (09022015). Collection method: clinical testing. Allele origin: germline.
Comment: This sequence change replaces glycine, which is neutral and non-polar, with serine, which is neutral and polar, at codon 44 of the ANG protein (p.Gly44Ser). This variant is present in population databases (rs368255675, gnomAD 0.007%). This variant has not been reported in the literature in individuals affected with ANG-related conditions. An algorithm developed to predict the effect of missense changes on protein structure and function (PolyPhen-2) suggests that this variant is likely to be disruptive. In summary, the available evidence is currently insufficient to determine the role of this variant in disease. Therefore, it has been classified as a Variant of Uncertain Significance.

NM_001097577.3(ANG):c.130G>A (p.Gly44Ser)

Genes: ANG (angiogenin; plus strand), EGILA (EGFR interacting lncRNA; minus strand), RNASE4 (ribonuclease A family member 4; plus strand). Cytogenetic location: 14q11.2.
Variant type: single nucleotide variant.
Coding change: c.130G>A on transcript NM_001097577.3 (MANE Select); coding-DNA position 130, G replaced by A.
Protein change: p.Gly44Ser; replaces glycine 44 with serine.
Molecular consequence: missense variant. On other transcripts: intron variant (4), non-coding transcript variant (1).
Genome position (GRCh38, 1-based): chr14:20,693,694, G>A. VCF-style: chr14-20693694-G-A. GRCh37 (hg19) VCF-style: chr14-21161853-G-A.
Other names: c.-18+44G>A (NM_001282192.2); c.-17-5661G>A (NM_002937.5, NM_001282193.2); c.-18+4820G>A (NM_194431.3); c.130G>A, p.Gly44Ser (NM_001145.4, NM_001385271.1, NM_001385272.1 and 2 more transcripts); short protein forms G44S.
Identifiers: ClinVar variation 3708886 (VCV003708886.2).